The following is an entry in ClinVar:

NM_004444.5(EPHB4):c.1390G>A (p.Val464Met)

Gene: EPHB4 (EPH receptor B4; minus strand). Cytogenetic location: 7q22.1.
Variant type: single nucleotide variant.
Coding change: c.1390G>A on transcript NM_004444.5 (MANE Select); coding-DNA position 1390, G replaced by A.
Protein change: p.Val464Met; replaces valine 464 with methionine.
Molecular consequence: missense variant.
Genome position (GRCh38, 1-based): chr7:100,818,552, C>T on the plus strand (G>A on the coding strand, the complement: EPHB4 is on the minus strand). VCF-style: chr7-100818552-C-T. GRCh37 (hg19) VCF-style: chr7-100416174-C-T.
Other names: short protein forms V464M.
Identifiers: ClinVar variation 2565154 (VCV002565154.3), dbSNP rs1813137967, ClinGen allele CA368573514.

ClinVar aggregate classification (germline): Uncertain significance. Review status: criteria provided, multiple submitters, no conflicts (2 of 4 stars). 2 submissions from 2 submitters: Uncertain significance (2). Last evaluated 2023-07-20.

Conditions:
Cardiovascular phenotype. Identifiers: MedGen CN230736.
EPHB4-related disorder. Also called: EPHB4-related condition; EPHB4-related disorders.

Allele frequency attached by ClinVar (database versions not stated): TOPMed below 0.00001; gnomAD exomes 0.00001.

Submissions (2):

PreventionGenetics, part of Exact Sciences
Classification: Uncertain significance for EPHB4-related condition. Last evaluated: 2023-07-20. Review status: criteria provided, single submitter. Criteria: ACMG Guidelines, 2015. Collection method: clinical testing. Allele origin: germline.
Comment: The EPHB4 c.1390G>A variant is predicted to result in the amino acid substitution p.Val464Met. To our knowledge, this variant has not been reported in the literature or in a large population database, indicating this variant is rare. At this time, the clinical significance of this variant is uncertain due to the absence of conclusive functional and genetic evidence.

Ambry Genetics
Classification: Uncertain significance for Cardiovascular phenotype. Last evaluated: 2023-05-26. Review status: criteria provided, single submitter. Criteria: Ambry Variant Classification Scheme 2023. Collection method: clinical testing. Allele origin: germline.
Comment: The p.V464M variant (also known as c.1390G>A), located in coding exon 7 of the EPHB4 gene, results from a G to A substitution at nucleotide position 1390. The valine at codon 464 is replaced by methionine, an amino acid with highly similar properties. This amino acid position is conserved. In addition, this alteration is predicted to be tolerated by in silico analysis. Since supporting evidence is limited at this time, the clinical significance of this alteration remains unclear.